The following is an entry in ClinVar:

NM_000138.5(FBN1):c.6497-16_6497-15delinsCA

Gene: FBN1 (fibrillin 1; minus strand). Cytogenetic location: 15q21.1.
Variant type: Indel.
Coding change: c.6497-16_6497-15delinsCA on transcript NM_000138.5 (MANE Select); 16 bases into the intron before coding-DNA position 6497 through 15 bases into the intron before coding-DNA position 6497, TC replaced by CA.
Molecular consequence: intron variant.
Genome position (GRCh38, 1-based): chr15:48,434,728-48,434,729, GA replaced by TG on the plus strand (TC replaced by CA on the coding strand, the reverse complement: FBN1 is on the minus strand). VCF-style: chr15-48434728-GA-TG. GRCh37 (hg19) VCF-style: chr15-48726925-GA-TG.
Identifiers: ClinVar variation 2123774 (VCV002123774.4), dbSNP rs2505429771, ClinGen allele CA2580089532.

ClinVar aggregate classification (germline): Uncertain significance (1 of 4 stars; one submission).

Conditions:
Familial thoracic aortic aneurysm and aortic dissection (TAAD). Also called: Thoracic aortic aneurysms and dissections. Identifiers: Orphanet 91387, MedGen C4707243, MONDO:0019625.
Marfan syndrome (MFS). Also called: MARFAN SYNDROME, TYPE I; Marfan syndrome type 1; Marfan's syndrome; Marfan syndrome, classic; FBN1-Related Marfan Syndrome. Identifiers: Orphanet 284963, Orphanet 558, MedGen C0024796, MONDO:0007947, OMIM 154700.

Submission:

Labcorp Genetics (formerly Invitae), Labcorp
Classification: Uncertain significance for Marfan syndrome; Familial thoracic aortic aneurysm and aortic dissection. Last evaluated: 2022-04-09. Review status: criteria provided, single submitter. Criteria: Invitae Variant Classification Sherloc (09022015). Collection method: clinical testing. Allele origin: germline.
Comment: In summary, the available evidence is currently insufficient to determine the role of this variant in disease. Therefore, it has been classified as a Variant of Uncertain Significance. Experimental studies and prediction algorithms are not available or were not evaluated, and the effect of this variant on mRNA splicing is currently unknown. This variant has not been reported in the literature in individuals affected with FBN1-related conditions. Information on the frequency of this variant in the gnomAD database is not available, as this variant may be reported differently in the database. This sequence change falls in intron 53 of the FBN1 gene. It does not directly change the encoded amino acid sequence of the FBN1 protein.